The following is an entry in ClinVar:

NM_001277115.2(DNAH11):c.5613_5616del (p.Asp1873fs)

Gene: DNAH11 (dynein axonemal heavy chain 11; plus strand). Cytogenetic location: 7p15.3.
Variant type: Deletion.
Coding change: c.5613_5616del on transcript NM_001277115.2 (MANE Select); coding-DNA positions 5613 to 5616, 4 bases deleted (AACT; older notation c.5613_5616delAACT).
Protein change: p.Asp1873fs; shifts the reading frame from aspartic acid 1873.
Molecular consequence: frameshift variant.
Genome position (GRCh38, 1-based): chr7:21,683,936-21,683,939, AACT deleted; deleting any 4 consecutive bases within chr7:21,683,934-21,683,939 gives the same sequence; the c. name uses the placement nearest the transcript's 3' end. VCF-style (leftmost placement, unchanged base first): chr7-21683933-TCTAA-T. GRCh37 (hg19) VCF-style: chr7-21723551-TCTAA-T.
Other names: c.5634_5637delAACT, p.Asp1880Glyfs (NM_003777.3); short protein forms D1873fs.
Identifiers: ClinVar variation 3016564 (VCV003016564.3), dbSNP rs753074450, ClinGen allele CA4180480.
Genomic context (GRCh38, chr7:21,683,933, plus strand): 5'-TGCCCAGTTCCAGTACTTCTATGAATACTTAGGAAACAGCCCTCGACTAGTGATCACTCC[TCTAA>T]CTGACAGGTAACAATTCAAAGTTTCCGTCCAGATAGGAAAAACAACCCAAAAAAGTCCCC-3'

ClinVar aggregate classification (germline): Pathogenic (1 of 4 stars; one submission).

Conditions:
Primary ciliary dyskinesia. Also called: Ciliary dyskinesia. Identifiers: Orphanet 244, MedGen C0008780, MONDO:0016575, HP:0012265.

Submission:

Labcorp Genetics (formerly Invitae), Labcorp
Classification: Pathogenic for Primary ciliary dyskinesia. Last evaluated: 2024-04-29. Review status: criteria provided, single submitter. Criteria: Invitae Variant Classification Sherloc (09022015). Collection method: clinical testing. Allele origin: germline.
Comment: This sequence change creates a premature translational stop signal (p.Asp1873Glyfs*6) in the DNAH11 gene. It is expected to result in an absent or disrupted protein product. Loss-of-function variants in DNAH11 are known to be pathogenic (PMID: 18022865, 20513915, 22184204). This variant is present in population databases (rs753074450, gnomAD 0.002%). This variant has not been reported in the literature in individuals affected with DNAH11-related conditions. For these reasons, this variant has been classified as Pathogenic.

Literature cited by the submitters: PubMed 18022865; PubMed 20513915; PubMed 22184204.